The following is an entry in ClinVar:

ClinVar aggregate classification (germline): Likely benign. Review status: criteria provided, multiple submitters, no conflicts (2 of 4 stars). 5 submissions from 5 submitters: Likely benign (4). 1 of the submissions does not count toward it. Last evaluated 2026-01-12.

Conditions:
Malan overgrowth syndrome (MALNS). Also called: MALAN SYNDROME; NFIX-Related Malan Syndrome; Sotos syndrome 2. Identifiers: Orphanet 420179, MedGen C3553660, MONDO:0013885, OMIM 614753.
Marshall-Smith syndrome (MRSHSS). Identifiers: Orphanet 561, MedGen C0265211, MONDO:0011244, OMIM 602535.
NFIX-related disorder. Also called: NFIX-related condition.

Allele frequency attached by ClinVar (database versions not stated): ESP Exome Variant Server 0.00023; ExAC 0.00033; gnomAD exomes 0.00036 and 0.00069; gnomAD 0.00041 and 0.00044; TOPMed 0.00043.
gnomAD v4.1: 1,057 of 1,614,100 alleles (0.065%); highest among the groups gnomAD compares: Non-Finnish European, 0.085%; no homozygotes.

Submissions (5):

Labcorp Genetics (formerly Invitae), Labcorp
Classification: Likely benign for Malan overgrowth syndrome; Marshall-Smith syndrome. Last evaluated: 2026-01-12. Review status: criteria provided, single submitter. Criteria: Invitae Variant Classification Sherloc (09022015). Collection method: clinical testing. Allele origin: germline.

CeGaT Center for Human Genetics Tuebingen
Classification: Likely benign. Last evaluated: 2024-12-01. Review status: criteria provided, single submitter. Criteria: CeGaT Center For Human Genetics Tuebingen Variant Classification Criteria Version 2. Collection method: clinical testing. Allele origin: germline. Affected: yes. Observed: 1 variant allele.
Comment: NFIX: BP4, BS1

Blueprint Genetics
Classification: Likely benign. Last evaluated: 2024-11-04. Review status: criteria provided, single submitter. Criteria: ACMG Guidelines, 2015. Collection method: clinical testing. Allele origin: germline.

GeneDx
Classification: Likely benign. Last evaluated: 2020-02-26. Review status: criteria provided, single submitter. Criteria: GeneDx Variant Classification Process June 2021. Collection method: clinical testing. Allele origin: germline. Affected: yes.

PreventionGenetics, part of Exact Sciences
Classification: Likely benign for NFIX-related condition. Last evaluated: 2024-01-02. Review status: no assertion criteria provided. Collection method: clinical testing. Allele origin: germline. Not counted in ClinVar's aggregate classification.
Comment: This variant is classified as likely benign based on ACMG/AMP sequence variant interpretation guidelines (Richards et al. 2015 PMID: 25741868, with internal and published modifications).

NM_001365902.3(NFIX):c.183G>A (p.Leu61=)

Gene: NFIX (nuclear factor I X; plus strand). Cytogenetic location: 19p13.13.
Variant type: single nucleotide variant.
Coding change: c.183G>A on transcript NM_001365902.3 (MANE Select); coding-DNA position 183, G replaced by A.
Protein change: p.Leu61=; no amino-acid change (leucine 61 retained).
Molecular consequence: synonymous variant.
Genome position (GRCh38, 1-based): chr19:13,025,176, G>A. VCF-style: chr19-13025176-G-A. GRCh37 (hg19) VCF-style: chr19-13135990-G-A.
Other names: c.207G>A, p.Leu69= (NM_001271043.2); c.159G>A, p.Leu53= (NM_001271044.3, NM_001378404.1); c.183G>A, p.Leu61= (NM_001365982.2, NM_002501.4); c.42G>A, p.Leu14= (NM_001365983.2); c.180G>A, p.Leu60= (NM_001365984.2, NM_001365985.2); c.231G>A, p.Leu77= (NM_001378405.1); c.183G>A (NM_002501.3).
Identifiers: ClinVar variation 389919 (VCV000389919.30), dbSNP rs369196245, ClinGen allele CA9236956.